The following is an entry in ClinVar:

ClinVar aggregate classification (germline): Pathogenic (1 of 4 stars; one submission).

Conditions:
Neurofibromatosis, type 1 (NF1). Also called: VON RECKLINGHAUSEN DISEASE; NEUROFIBROMATOSIS, TYPE I, SOMATIC; Peripheral type neurofibromatosis; Neurofibromatosis, type I. Identifiers: Orphanet 636, MedGen C0027831, MONDO:0018975, OMIM 162200. Disease mechanism: loss of function.

Submission:

Labcorp Genetics (formerly Invitae), Labcorp
Classification: Pathogenic for Neurofibromatosis, type 1. Last evaluated: 2024-06-16. Review status: criteria provided, single submitter. Criteria: Invitae Variant Classification Sherloc (09022015). Collection method: clinical testing. Allele origin: germline.
Comment: This sequence change creates a premature translational stop signal (p.Gly949Aspfs*5) in the NF1 gene. It is expected to result in an absent or disrupted protein product. Loss-of-function variants in NF1 are known to be pathogenic (PMID: 10712197, 23913538). This variant is not present in population databases (gnomAD no frequency). This premature translational stop signal has been observed in individual(s) with neurofibromatosis type 1 (PMID: 26740943). For these reasons, this variant has been classified as Pathogenic.

Literature cited by the submitters: PubMed 10712197; PubMed 23913538; PubMed 26740943.

NM_001042492.3(NF1):c.2846del (p.Gly949fs)

Gene: NF1 (neurofibromin 1; plus strand). Cytogenetic location: 17q11.2.
Variant type: Deletion.
Coding change: c.2846del on transcript NM_001042492.3 (MANE Select); coding-DNA position 2846, one base deleted (G; older notation c.2846delG).
Protein change: p.Gly949fs; shifts the reading frame from glycine 949.
Molecular consequence: frameshift variant.
Genome position (GRCh38, 1-based): chr17:31,229,461, G deleted; the last of 2 consecutive G bases (chr17:31,229,460-31,229,461); deleting either gives the same sequence. VCF-style (leftmost placement, unchanged base first): chr17-31229459-AG-A. GRCh37 (hg19) VCF-style: chr17-29556477-AG-A.
Other names: c.2846delG, p.Gly949Aspfs (NM_000267.4); short protein forms G949fs.
Identifiers: ClinVar variation 3722644 (VCV003722644.2).
Genomic context (GRCh38, chr17:31,229,459, plus strand): 5'-TCTGTATCCAATGCTATTTAACAAATTGAAGAATACCATCAGCAAGTTTTTTGACTCCCA[AG>A]GACAGGTAAAGTGTTCTCTTATTTTTCACCTTTCTCTATGAATAGAGTGACTTGTTTGAA-3'